The following is an entry in ClinVar:

ClinVar aggregate classification (germline): Pathogenic (1 of 4 stars; one submission).

Conditions:
Cohen syndrome (COH1). Also called: Cutis verticis gyrata, retinitis pigmentosa, and sensorineural deafness; PEPPER SYNDROME. Identifiers: Orphanet 193, MedGen C0265223, MONDO:0008999, OMIM 216550.

Submission:

Labcorp Genetics (formerly Invitae), Labcorp
Classification: Pathogenic for Cohen syndrome. Last evaluated: 2022-04-11. Review status: criteria provided, single submitter. Criteria: Invitae Variant Classification Sherloc (09022015). Collection method: clinical testing. Allele origin: germline.
Comment: This sequence change creates a premature translational stop signal (p.Ala1932Hisfs*4) in the VPS13B gene. It is expected to result in an absent or disrupted protein product. Loss-of-function variants in VPS13B are known to be pathogenic (PMID: 15141358, 16648375, 20461111). This variant is not present in population databases (gnomAD no frequency). This variant has not been reported in the literature in individuals affected with VPS13B-related conditions. For these reasons, this variant has been classified as Pathogenic.

Literature cited by the submitters: PubMed 15141358; PubMed 16648375; PubMed 20461111.

NM_152564.5(VPS13B):c.5719del (p.Ala1907fs)

Gene: VPS13B (vacuolar protein sorting 13 homolog B; plus strand). Cytogenetic location: 8q22.2.
Variant type: Deletion.
Coding change: c.5719del on transcript NM_152564.5 (MANE Select); coding-DNA position 5719, one base deleted (G; older notation c.5719delG).
Protein change: p.Ala1907fs; shifts the reading frame from alanine 1907.
Molecular consequence: frameshift variant.
Genome position (GRCh38, 1-based): chr8:99,642,309, G deleted. VCF-style (leftmost placement, unchanged base first): chr8-99642308-AG-A. GRCh37 (hg19) VCF-style: chr8-100654536-AG-A.
Other names: c.5794del, p.Ala1932fs (NM_017890.5); short protein forms A1932fs, A1907fs.
Identifiers: ClinVar variation 2124461 (VCV002124461.4), dbSNP rs2491208206, ClinGen allele CA2580079174.